The following is an entry in ClinVar:

ClinVar aggregate classification (germline): Uncertain significance (1 of 4 stars; one submission).

Conditions:
Cardiovascular phenotype. Identifiers: MedGen CN230736.

Submission:

Ambry Genetics
Classification: Uncertain significance for Cardiovascular phenotype. Last evaluated: 2026-08-10. Review status: criteria provided, single submitter. Criteria: Ambry Variant Classification Scheme 2023. Collection method: clinical testing. Allele origin: germline.
Comment: The p.G1136R variant (also known as c.3406G>A), located in coding exon 6 of the ALPK3 gene, results from a G to A substitution at nucleotide position 3406. The glycine at codon 1136 is replaced by arginine, an amino acid with dissimilar properties. This amino acid position is conserved. In addition, the in silico prediction for this alteration is inconclusive. Based on the available evidence, the clinical significance of this variant remains unclear.

NM_020778.5(ALPK3):c.2800G>A (p.Gly934Arg)

Gene: ALPK3 (alpha kinase 3; plus strand). Cytogenetic location: 15q25.3.
Variant type: single nucleotide variant.
Coding change: c.2800G>A on transcript NM_020778.5 (MANE Select); coding-DNA position 2800, G replaced by A.
Protein change: p.Gly934Arg; replaces glycine 934 with arginine.
Molecular consequence: missense variant.
Genome position (GRCh38, 1-based): chr15:84,857,538, G>A. VCF-style: chr15-84857538-G-A. GRCh37 (hg19) VCF-style: chr15-85400769-G-A.
Other names: short protein forms G934R.
Identifiers: ClinVar variation 5036607 (VCV005036607.1).
Genomic context (GRCh38, chr15:84,857,538, plus strand): 5'-CTGGGGCTGGGGACCCCCACTCAGAGTCACCCACCAGAAACCATGGCCACCAGCAGTGAG[G>A]GGGCCTGCGCCCAGGTACCAGATGTGGAGGGGCGGACCCCAGGTCCCCGGAGCTGTGACC-3'
Protein context (NP_065829.4, residues 924-944): PPETMATSSE[Gly934Arg]ACAQVPDVEG